The following is an entry in ClinVar:

NM_015374.3(SUN2):c.1990A>C (p.Lys664Gln)

Genes: GTPBP1 (GTP binding protein 1; plus strand), SUN2 (Sad1 and UNC84 domain containing 2; minus strand). Cytogenetic location: 22q13.1.
Variant type: single nucleotide variant.
Coding change: c.1990A>C on transcript NM_015374.3 (MANE Select); coding-DNA position 1990, A replaced by C.
Protein change: p.Lys664Gln; replaces lysine 664 with glutamine.
Molecular consequence: missense variant.
Genome position (GRCh38, 1-based): chr22:38,738,223, T>G on the plus strand (A>C on the coding strand, the complement: SUN2 is on the minus strand). VCF-style: chr22-38738223-T-G. GRCh37 (hg19) VCF-style: chr22-39134228-T-G.
Other names: c.2035A>C, p.Lys679Gln (NM_001394429.1, NM_001394430.1); c.1990A>C, p.Lys664Gln (NM_001394431.1, NM_001394432.1, NM_001394433.1 and 3 more transcripts); c.1987A>C, p.Lys663Gln (NM_001394436.1, NM_001394437.1); c.1900A>C, p.Lys634Gln (NM_001394438.1); c.1852A>C, p.Lys618Gln (NM_001394439.1, NM_001394440.1, NM_001394441.1); c.1591A>C, p.Lys531Gln (NM_001394442.1); c.1498A>C, p.Lys500Gln (NM_001394443.1); c.1414A>C, p.Lys472Gln (NM_001394444.1, NM_001394445.1); and 2 more; short protein forms K634Q, K679Q, K685Q, K618Q, K531Q, K663Q, K472Q, K500Q.
Identifiers: ClinVar variation 1516427 (VCV001516427.6), dbSNP rs1285036282, ClinGen allele CA411583085.

ClinVar aggregate classification (germline): Uncertain significance (1 of 4 stars; one submission).

Conditions:
Emery-Dreifuss muscular dystrophy (EDMD). Also called: Scapuloperoneal syndrome, X-linked (formerly); Humeroperoneal neuromuscular disease, (formerly). Identifiers: Orphanet 261, MedGen C0410189, MONDO:0016830.

Allele frequency attached by ClinVar (database versions not stated): gnomAD exomes below 0.00001; TOPMed below 0.00001; gnomAD 0.00001.
gnomAD v4.1: 2 of 1,613,860 alleles (0.00012%); highest among the groups gnomAD compares: Admixed American, 0.0017%; no homozygotes.

Submission:

Labcorp Genetics (formerly Invitae), Labcorp
Classification: Uncertain significance for Emery-Dreifuss muscular dystrophy. Last evaluated: 2021-09-26. Review status: criteria provided, single submitter. Criteria: Invitae Variant Classification Sherloc (09022015). Collection method: clinical testing. Allele origin: germline.
Comment: In summary, the available evidence is currently insufficient to determine the role of this variant in disease. Therefore, it has been classified as a Variant of Uncertain Significance. Algorithms developed to predict the effect of missense changes on protein structure and function output the following: SIFT: "Tolerated"; PolyPhen-2: "Benign"; Align-GVGD: "Class C0". The glutamine amino acid residue is found in multiple mammalian species, which suggests that this missense change does not adversely affect protein function. This variant has not been reported in the literature in individuals affected with SUN2-related conditions. This variant is not present in population databases (ExAC no frequency). This sequence change replaces lysine with glutamine at codon 664 of the SUN2 protein (p.Lys664Gln). The lysine residue is weakly conserved and there is a small physicochemical difference between lysine and glutamine.